The following is an entry in ClinVar:

NM_001110556.2(FLNA):c.1687C>T (p.Arg563Cys)

Gene: FLNA (filamin A; minus strand). Cytogenetic location: Xq28.
Variant type: single nucleotide variant.
Coding change: c.1687C>T on transcript NM_001110556.2 (MANE Select); coding-DNA position 1687, C replaced by T.
Protein change: p.Arg563Cys; replaces arginine 563 with cysteine.
Molecular consequence: missense variant.
Genome position (GRCh38, 1-based): chrX:154,365,140, G>A on the plus strand (C>T on the coding strand, the complement: FLNA is on the minus strand). VCF-style: chrX-154365140-G-A. GRCh37 (hg19) VCF-style: chrX-153593508-G-A.
Other names: c.1687C>T, p.Arg563Cys (NM_001456.4); short protein forms R563C.
Identifiers: ClinVar variation 1154301 (VCV001154301.9), dbSNP rs782477178, ClinGen allele CA10561119.
Genomic context (GRCh38, chrX:154,365,140, plus strand): 5'-AGGAAGAGAAGAGGCAGAGTGTGCAGAGCTGGGAGAGGGATGCCTGGGGGCCTCACCTGC[G>A]CCCGATGTTCTGACCACCCCACGTGATGGTGACGATATAGGTTCCAGGGACCATGGGGTA-3'
Protein context (NP_001104026.1, residues 553-573): TITWGGQNIG[Arg563Cys]SPFEVKVGTE

ClinVar aggregate classification (germline): Conflicting classifications of pathogenicity. Review status: criteria provided, conflicting classifications (1 of 4 stars). 2 submissions from 2 submitters: Uncertain significance (1); Likely benign (1). Last evaluated 2026-02-01.

Conditions:
Frontometaphyseal dysplasia (FMD1). Identifiers: Orphanet 1826, MedGen C0265293, MONDO:0015942.
Heterotopia, periventricular, X-linked dominant (PVNH1). Also called: PERIVENTRICULAR NODULAR HETEROTOPIA 1; X-linked periventricular heterotopia; PERIVENTRICULAR NODULAR HETEROTOPIA 4; HETEROTOPIA, PERIVENTRICULAR, 1. Identifiers: Orphanet 2149, Orphanet 82004, MedGen C1848213, MONDO:0010233, OMIM 300049.
Oto-palato-digital syndrome, type II (OPD2). Also called: FACIOPALATOOSSEOUS SYNDROME; OPD II SYNDROME; Otopalatodigital Syndrome Type 2 (FLNA-OPD2); Otopalatodigital Syndrome, Type II. Identifiers: Orphanet 669, Orphanet 90652, MedGen C1844696, MONDO:0010571, OMIM 304120.
Melnick-Needles syndrome (MNS). Also called: MELNICK-NEEDLES OSTEODYSPLASTY; OSTEODYSPLASTY OF MELNICK AND NEEDLES; Melnick-Needles Syndrome (FLNA-MNS). Identifiers: Orphanet 2484, MedGen C0025237, MONDO:0010650, OMIM 309350.
Familial thoracic aortic aneurysm and aortic dissection (TAAD). Also called: Thoracic aortic aneurysms and dissections. Identifiers: Orphanet 91387, MedGen C4707243, MONDO:0019625.

Allele frequency attached by ClinVar (database versions not stated): gnomAD 0.00001 and 0.00002; TOPMed 0.00001; gnomAD exomes 0.00002 and 0.00006; ExAC 0.00003.
gnomAD v4.1: 24 of 1,210,097 alleles (0.002%); highest among the groups gnomAD compares: Admixed American, 0.024%; no homozygotes.

Submissions (2):

Labcorp Genetics (formerly Invitae), Labcorp
Classification: Likely benign for Oto-palato-digital syndrome, type II; Heterotopia, periventricular, X-linked dominant; Frontometaphyseal dysplasia; Melnick-Needles syndrome. Last evaluated: 2026-02-01. Review status: criteria provided, single submitter. Criteria: Invitae Variant Classification Sherloc (09022015). Collection method: clinical testing. Allele origin: germline.

Ambry Genetics
Classification: Uncertain significance for Familial thoracic aortic aneurysm and aortic dissection. Last evaluated: 2018-03-26. Review status: criteria provided, single submitter. Criteria: Ambry Variant Classification Scheme 2023. Collection method: clinical testing. Allele origin: germline.
Comment: The p.R563C variant (also known as c.1687C>T), located in coding exon 10 of the FLNA gene, results from a C to T substitution at nucleotide position 1687. The arginine at codon 563 is replaced by cysteine, an amino acid with highly dissimilar properties. Based on data from gnomAD, the T allele has an overall frequency of approximately 0.006% (11/178652) total alleles studied. The highest observed frequency was 0.038% (10/26579) of Latino alleles, including 3 hemizygotes. This amino acid position is well conserved in available vertebrate species. In addition, the in silico prediction for this alteration is inconclusive. Since supporting evidence is limited at this time, the clinical significance of this alteration remains unclear.